The following is an entry in ClinVar:

ClinVar aggregate classification (germline): Uncertain significance (1 of 4 stars; one submission).

Submission:

Ambry Genetics
Classification: Uncertain significance. Last evaluated: 2021-12-11. Review status: criteria provided, single submitter. Criteria: Ambry Variant Classification Scheme 2023. Collection method: clinical testing. Allele origin: germline.
Comment: The p.A126S variant (also known as c.376G>T), located in coding exon 4 of the NQO1 gene, results from a G to T substitution at nucleotide position 376. The alanine at codon 126 is replaced by serine, an amino acid with similar properties. This amino acid position is conserved. In addition, this alteration is predicted to be tolerated by in silico analysis. Since supporting evidence is limited at this time, the clinical significance of this alteration remains unclear.

NM_000903.3(NQO1):c.376G>T (p.Ala126Ser)

Gene: NQO1 (NAD(P)H quinone dehydrogenase 1; minus strand). Cytogenetic location: 16q22.1.
Variant type: single nucleotide variant.
Coding change: c.376G>T on transcript NM_000903.3 (MANE Select); coding-DNA position 376, G replaced by T.
Protein change: p.Ala126Ser; replaces alanine 126 with serine.
Molecular consequence: missense variant. On other transcripts: intron variant (2).
Genome position (GRCh38, 1-based): chr16:69,715,005, C>A on the plus strand (G>T on the coding strand, the complement: NQO1 is on the minus strand). VCF-style: chr16-69715005-C-A. GRCh37 (hg19) VCF-style: chr16-69748908-C-A.
Other names: c.376G>T, p.Ala126Ser (NM_001025433.2); c.303+3118G>T (NM_001286137.2); c.304-1876G>T (NM_001025434.2); short protein forms A126S.
Identifiers: ClinVar variation 1734753 (VCV001734753.2), dbSNP rs2544326484, ClinGen allele CA396488872.